The following is an entry in ClinVar:

NM_004991.4(MECOM):c.1105A>G (p.Ile369Val)

Gene: MECOM (MDS1 and EVI1 complex locus; minus strand). Cytogenetic location: 3q26.2.
Variant type: single nucleotide variant.
Coding change: c.1105A>G on transcript NM_004991.4 (MANE Select); coding-DNA position 1105, A replaced by G.
Protein change: p.Ile369Val; replaces isoleucine 369 with valine.
Molecular consequence: missense variant.
Genome position (GRCh38, 1-based): chr3:169,121,083, T>C on the plus strand (A>G on the coding strand, the complement: MECOM is on the minus strand). VCF-style: chr3-169121083-T-C. GRCh37 (hg19) VCF-style: chr3-168838871-T-C.
Other names: c.1105A>G (NM_004991.3); c.736A>G, p.Ile246Val (NM_001105077.4); c.541A>G, p.Ile181Val (NM_001105078.4, NM_001164000.2, NM_001205194.2 and 5 more transcripts); c.544A>G, p.Ile182Val (NM_001163999.2, NM_001366467.2, NM_001366468.2 and 1 more transcripts); c.1105A>G, p.Ile369Val (NM_001366466.2, NM_001366473.2); short protein forms I182V, I369V, I181V, I246V.
Identifiers: ClinVar variation 3692128 (VCV003692128.3).

ClinVar aggregate classification (germline): Uncertain significance. Review status: criteria provided, multiple submitters, no conflicts (2 of 4 stars). 2 submissions from 2 submitters: Uncertain significance (2). Last evaluated 2025-02-15.

Conditions:
Inborn genetic diseases. Identifiers: MedGen C0950123, MeSH D030342.

gnomAD v4.1: 1 of 1,613,102 alleles (0.000062%); highest among the groups gnomAD compares: Non-Finnish European, 0.000085%; no homozygotes.

Submissions (2):

Ambry Genetics
Classification: Uncertain significance for Inborn genetic diseases. Last evaluated: 2025-02-15. Review status: criteria provided, single submitter. Criteria: Ambry Variant Classification Scheme 2023. Collection method: clinical testing. Allele origin: germline.
Comment: The p.I369V variant (also known as c.1105A>G), located in coding exon 7 of the MECOM gene, results from an A to G substitution at nucleotide position 1105. The isoleucine at codon 369 is replaced by valine, an amino acid with highly similar properties. This amino acid position is conserved. In addition, this alteration is predicted to be tolerated by in silico analysis. Based on the available evidence, the clinical significance of this variant remains unclear.

Labcorp Genetics (formerly Invitae), Labcorp
Classification: Uncertain significance. Last evaluated: 2024-11-27. Review status: criteria provided, single submitter. Criteria: Invitae Variant Classification Sherloc (09022015). Collection method: clinical testing. Allele origin: germline.
Comment: This sequence change replaces isoleucine, which is neutral and non-polar, with valine, which is neutral and non-polar, at codon 181 of the MECOM protein (p.Ile181Val). This variant is not present in population databases (gnomAD no frequency). This variant has not been reported in the literature in individuals affected with MECOM-related conditions. An algorithm developed to predict the effect of missense changes on protein structure and function (PolyPhen-2) suggests that this variant is likely to be disruptive. In summary, the available evidence is currently insufficient to determine the role of this variant in disease. Therefore, it has been classified as a Variant of Uncertain Significance.